The following is an entry in ClinVar:

ClinVar aggregate classification (germline): Conflicting classifications of pathogenicity. Review status: criteria provided, conflicting classifications (1 of 4 stars). 5 submissions from 5 submitters: Uncertain significance (4); Likely benign (1). Last evaluated 2025-12-01.

Conditions:
Hereditary cancer-predisposing syndrome. Also called: Hereditary Cancer Syndrome; Hereditary neoplastic syndrome; Neoplastic Syndromes, Hereditary; Tumor predisposition. Identifiers: Orphanet 140162, MedGen C0027672, MeSH D009386, MONDO:0015356.
Hereditary breast ovarian cancer syndrome. Also called: Hereditary breast and ovarian cancer; Breast and ovarian cancer; Hereditary breast and ovarian cancer syndrome; Hereditary breast and/or ovarian cancer syndrome; BRCA1- and BRCA2-Associated Hereditary Breast and Ovarian Cancer; Hereditary breast and ovarian cancer syndrome (HBOC). Identifiers: Orphanet 145, MedGen C0677776, MeSH D061325, MONDO:0003582. Disease mechanism: loss of function.

Submissions (5):

Ambry Genetics
Classification: Uncertain significance for Hereditary cancer-predisposing syndrome. Last evaluated: 2025-12-01. Review status: criteria provided, single submitter. Criteria: Ambry Variant Classification Scheme 2023. Collection method: clinical testing. Allele origin: germline.
Comment: The p.P1519A variant (also known as c.4555C>G), located in coding exon 10 of the BRCA2 gene, results from a C to G substitution at nucleotide position 4555. The proline at codon 1519 is replaced by alanine, an amino acid with highly similar properties. This amino acid position is not well conserved in available vertebrate species. In addition, this alteration is predicted to be tolerated by in silico analysis. Since supporting evidence is limited at this time, the clinical significance of this alteration remains unclear.

Labcorp Genetics (formerly Invitae), Labcorp
Classification: Uncertain significance for Hereditary breast ovarian cancer syndrome. Last evaluated: 2024-06-18. Review status: criteria provided, single submitter. Criteria: Invitae Variant Classification Sherloc (09022015). Collection method: clinical testing. Allele origin: germline.
Comment: This sequence change replaces proline, which is neutral and non-polar, with alanine, which is neutral and non-polar, at codon 1519 of the BRCA2 protein (p.Pro1519Ala). This variant is not present in population databases (gnomAD no frequency). This variant has not been reported in the literature in individuals affected with BRCA2-related conditions. ClinVar contains an entry for this variant (Variation ID: 441300). Advanced modeling of protein sequence and biophysical properties (such as structural, functional, and spatial information, amino acid conservation, physicochemical variation, residue mobility, and thermodynamic stability) performed at Invitae indicates that this missense variant is not expected to disrupt BRCA2 protein function with a negative predictive value of 95%. In summary, the available evidence is currently insufficient to determine the role of this variant in disease. Therefore, it has been classified as a Variant of Uncertain Significance.

GeneDx
Classification: Uncertain significance. Last evaluated: 2023-11-28. Review status: criteria provided, single submitter. Criteria: GeneDx Variant Classification Process June 2021. Collection method: clinical testing. Allele origin: germline. Affected: yes.
Comment: Not observed at significant frequency in large population cohorts (gnomAD); In silico analysis supports that this missense variant has a deleterious effect on protein structure/function; Has not been previously published as pathogenic or benign to our knowledge; Also known as 4783C>G; This variant is associated with the following publications: (PMID: 31911673, 35325018)

University of Washington Department of Laboratory Medicine, University of Washington
Classification: Likely benign for Hereditary cancer-predisposing syndrome. Last evaluated: 2023-03-23. Review status: criteria provided, single submitter. Criteria: Dines et al. (Genet Med. 2020). Collection method: curation. Allele origin: germline.
Comment: Missense variant in a coldspot region where missense variants are very unlikely to be pathogenic (PMID:31911673).

BRCA2 exon 11 coldspot. Reclassification based on statistical prior probability.

Quest Diagnostics Nichols Institute San Juan Capistrano
Classification: Uncertain significance. Last evaluated: 2019-06-17. Review status: criteria provided, single submitter. Criteria: Quest Diagnostics criteria. Collection method: clinical testing. Allele origin: germline.

NM_000059.4(BRCA2):c.4555C>G (p.Pro1519Ala)

Gene: BRCA2 (BRCA2 DNA repair associated; plus strand). Cytogenetic location: 13q13.1.
Variant type: single nucleotide variant.
Coding change: c.4555C>G on transcript NM_000059.4 (MANE Select); coding-DNA position 4555, C replaced by G.
Protein change: p.Pro1519Ala; replaces proline 1519 with alanine.
Molecular consequence: missense variant.
Genome position (GRCh38, 1-based): chr13:32,338,910, C>G. VCF-style: chr13-32338910-C-G. GRCh37 (hg19) VCF-style: chr13-32913047-C-G.
Other names: short protein forms P1519A.
Identifiers: ClinVar variation 441300 (VCV000441300.18), dbSNP rs1555283843, ClinGen allele CA387781811.